The following is an entry in ClinVar:

NM_014000.3(VCL):c.3039_3043dup (p.Leu1015fs)

Gene: VCL (vinculin; plus strand). Cytogenetic location: 10q22.2.
Variant type: Duplication.
Coding change: c.3039_3043dup on transcript NM_014000.3 (MANE Select); coding-DNA positions 3039 to 3043, 5 bases duplicated (GGCAC; older notation c.3039_3043dupGGCAC).
Protein change: p.Leu1015fs; shifts the reading frame from leucine 1015.
Molecular consequence: frameshift variant.
Genome position (GRCh38, 1-based): chr10:74,114,273-74,114,277, GGCAC duplicated. VCF-style (leftmost placement, unchanged base first): chr10-74114272-G-GGGCAC. GRCh37 (hg19) VCF-style: chr10-75874030-G-GGGCAC.
Other names: c.3039_3043dupGGCAC (NM_014000.2); c.2835_2839dup, p.Leu947fs (NM_003373.4); short protein forms L1015fs, L947fs.
Identifiers: ClinVar variation 642872 (VCV000642872.8), dbSNP rs748708754, ClinGen allele CA5563367.

ClinVar aggregate classification (germline): Uncertain significance (1 of 4 stars; one submission).

Conditions:
Dilated cardiomyopathy 1W (CMD1W). Identifiers: Orphanet 154, MedGen C1969639, MONDO:0012667, OMIM 611407.

Allele frequency attached by ClinVar (database versions not stated): gnomAD exomes below 0.00001; ExAC 0.00001.

Submission:

Labcorp Genetics (formerly Invitae), Labcorp
Classification: Uncertain significance for Dilated cardiomyopathy 1W. Last evaluated: 2019-07-22. Review status: criteria provided, single submitter. Criteria: Invitae Variant Classification Sherloc (09022015). Collection method: clinical testing. Allele origin: germline.
Comment: In summary, the available evidence is currently insufficient to determine the role of this variant in disease. Therefore, it has been classified as a Variant of Uncertain Significance. The current clinical and genetic evidence is not sufficient to establish whether loss-of-function variants in VCL cause disease. This variant has not been reported in the literature in individuals with VCL-related disease. The frequency data for this variant in the population databases is considered unreliable, as metrics indicate poor data quality at this position in the ExAC database. This sequence change creates a premature translational stop signal (p.Leu1015Argfs*17) in the VCL gene. It is expected to result in an absent or disrupted protein product.